The following is an entry in ClinVar:

ClinVar aggregate classification (germline): Uncertain significance. Review status: criteria provided, multiple submitters, no conflicts (2 of 4 stars). 2 submissions from 2 submitters: Uncertain significance (2). Last evaluated 2026-03-02.

Conditions:
Pheochromocytoma/paraganglioma syndrome 3. Also called: GLOMUS TUMORS, FAMILIAL, 3; Paragangliomas 3; SDHC-Related Hereditary Paraganglioma-Pheochromocytoma Syndrome (Paragangliomas 3); SDHC-Related Hereditary Paraganglioma-Pheochromocytoma Syndrome. Identifiers: Orphanet 29072, MedGen C1854336, MONDO:0011544, OMIM 605373.
Gastrointestinal stromal tumor. Also called: Gastrointestinal stroma tumor; Gastrointestinal stromal tumor, somatic. Identifiers: Orphanet 44890, MedGen C0238198, MeSH D046152, MONDO:0011719, OMIM 606764, HP:0100723.
Hereditary cancer-predisposing syndrome. Also called: Tumor predisposition; Hereditary Cancer Syndrome; Hereditary neoplastic syndrome; Neoplastic Syndromes, Hereditary. Identifiers: Orphanet 140162, MedGen C0027672, MeSH D009386, MONDO:0015356.

Submissions (2):

Ambry Genetics
Classification: Uncertain significance for Hereditary cancer-predisposing syndrome. Last evaluated: 2026-03-02. Review status: criteria provided, single submitter. Criteria: Ambry Variant Classification Scheme 2023. Collection method: clinical testing. Allele origin: germline.
Comment: The c.20+4delA intronic variant, located in intron 1 of the SDHC gene, results from a deletion of one nucleotide within intron 1 of the SDHC gene. This nucleotide position is highly conserved in available vertebrate species. In silico splice site analysis for this alteration is inconclusive. Based on the available evidence, the clinical significance of this variant remains unclear.

Labcorp Genetics (formerly Invitae), Labcorp
Classification: Uncertain significance for Pheochromocytoma/paraganglioma syndrome 3; Gastrointestinal stromal tumor. Last evaluated: 2025-05-18. Review status: criteria provided, single submitter. Criteria: Invitae Variant Classification Sherloc (09022015). Collection method: clinical testing. Allele origin: germline.
Comment: This sequence change falls in intron 1 of the SDHC gene. It does not directly change the encoded amino acid sequence of the SDHC protein. It affects a nucleotide within the consensus splice site. This variant is not present in population databases (gnomAD no frequency). This variant has not been reported in the literature in individuals affected with SDHC-related conditions. ClinVar contains an entry for this variant (Variation ID: 1376152). Variants that disrupt the consensus splice site are a relatively common cause of aberrant splicing (PMID: 17576681, 9536098). Studies have shown that this variant is associated with inconclusive levels of altered splicing (internal data). In summary, the available evidence is currently insufficient to determine the role of this variant in disease. Therefore, it has been classified as a Variant of Uncertain Significance.

Literature cited by the submitters: PubMed 17576681 (cited by Labcorp Genetics (formerly Invitae), Labcorp); PubMed 9536098 (cited by Labcorp Genetics (formerly Invitae), Labcorp).

NM_003001.5(SDHC):c.20+4del

Gene: SDHC (succinate dehydrogenase complex subunit C; plus strand). Cytogenetic location: 1q23.3.
Variant type: Deletion.
Coding change: c.20+4del on transcript NM_003001.5 (MANE Select); 4 bases into the intron after coding-DNA position 20, one base deleted (A; older notation c.20+4delA).
Molecular consequence: intron variant. On other transcripts: 5 prime UTR variant (1).
Genome position (GRCh38, 1-based): chr1:161,314,429, A deleted. VCF-style (leftmost placement, unchanged base first): chr1-161314428-GA-G. GRCh37 (hg19) VCF-style: chr1-161284218-GA-G.
Other names: c.-537del (NM_001407119.1); c.-210+4del (NM_001407120.1); c.20+4del (NM_001407115.1, NM_001035511.3, NM_001035512.3 and 6 more transcripts).
Identifiers: ClinVar variation 1376152 (VCV001376152.10), dbSNP rs2102271885, ClinGen allele CA2573131190.